The following is an entry in ClinVar:

ClinVar aggregate classification (germline): Uncertain significance (1 of 4 stars; one submission).

Submission:

Labcorp Genetics (formerly Invitae), Labcorp
Classification: Uncertain significance. Last evaluated: 2025-09-03. Review status: criteria provided, single submitter. Criteria: Invitae Variant Classification Sherloc (09022015). Collection method: clinical testing. Allele origin: germline.
Comment: This sequence change replaces tyrosine, which is neutral and polar, with histidine, which is basic and polar, at codon 579 of the GUCY2C protein (p.Tyr579His). This variant is not present in population databases (gnomAD no frequency). This variant has not been reported in the literature in individuals affected with GUCY2C-related conditions. An algorithm developed to predict the effect of missense changes on protein structure and function (PolyPhen-2) suggests that this variant is likely to be disruptive. In summary, the available evidence is currently insufficient to determine the role of this variant in disease. Therefore, it has been classified as a Variant of Uncertain Significance.

NM_004963.4(GUCY2C):c.1735T>C (p.Tyr579His)

Gene: GUCY2C (guanylate cyclase 2C; minus strand). Cytogenetic location: 12p12.3.
Variant type: single nucleotide variant.
Coding change: c.1735T>C on transcript NM_004963.4 (MANE Select); coding-DNA position 1735, T replaced by C.
Protein change: p.Tyr579His; replaces tyrosine 579 with histidine.
Molecular consequence: missense variant.
Genome position (GRCh38, 1-based): chr12:14,645,291, A>G on the plus strand (T>C on the coding strand, the complement: GUCY2C is on the minus strand). VCF-style: chr12-14645291-A-G. GRCh37 (hg19) VCF-style: chr12-14798225-A-G.
Other names: short protein forms Y579H.
Identifiers: ClinVar variation 4763465 (VCV004763465.1).